The following is an entry in ClinVar:

NM_018100.4(EFHC1):c.952C>A (p.Gln318Lys)

Gene: EFHC1 (EF-hand domain containing 1; plus strand). Cytogenetic location: 6p12.2.
Variant type: single nucleotide variant.
Coding change: c.952C>A on transcript NM_018100.4 (MANE Select); coding-DNA position 952, C replaced by A.
Protein change: p.Gln318Lys; replaces glutamine 318 with lysine.
Molecular consequence: missense variant. On other transcripts: non-coding transcript variant (1).
Genome position (GRCh38, 1-based): chr6:52,464,930, C>A. VCF-style: chr6-52464930-C-A. GRCh37 (hg19) VCF-style: chr6-52329728-C-A.
Other names: c.895C>A, p.Gln299Lys (NM_001172420.2); short protein forms Q299K, Q318K.
Identifiers: ClinVar variation 966157 (VCV000966157.11), dbSNP rs1452409120, ClinGen allele CA364455459.
Genomic context (GRCh38, chr6:52,464,930, plus strand): 5'-TCTCTCTAACACCATCTTATATTAGAGAACTTCCCTCAGTGTGTGCTAGAAATCTCTGAC[C>A]AAGAAGTGTTGGAATGGTATACTGCTAAAGACTTCATTGTTGGGAAGTCACTCACTATCC-3'
Protein context (NP_060570.2, residues 308-328): FPQCVLEISD[Gln318Lys]EVLEWYTAKD

ClinVar aggregate classification (germline): Uncertain significance (1 of 4 stars; one submission).

Conditions:
Absence seizure. Also called: Absence epilepsy. Identifiers: Orphanet 1941, MedGen C0014553.
Myoclonic epilepsy, juvenile, susceptibility to, 1. Also called: Myoclonic Epilepsy, Juvenile, 1; EJM1. Identifiers: MedGen C1850778, MONDO:0020752, OMIM 254770.

Allele frequency attached by ClinVar (database versions not stated): gnomAD 0.00001; TOPMed 0.00001.
gnomAD v4.1: 4 of 1,613,914 alleles (0.00025%); highest among the groups gnomAD compares: Non-Finnish European, 0.00034%; no homozygotes.

Submission:

Labcorp Genetics (formerly Invitae), Labcorp
Classification: Uncertain significance for Myoclonic epilepsy, juvenile, susceptibility to, 1; Absence seizure. Last evaluated: 2019-10-28. Review status: criteria provided, single submitter. Criteria: Invitae Variant Classification Sherloc (09022015). Collection method: clinical testing. Allele origin: germline.
Comment: In summary, the available evidence is currently insufficient to determine the role of this variant in disease. Therefore, it has been classified as a Variant of Uncertain Significance. Algorithms developed to predict the effect of missense changes on protein structure and function output the following: SIFT: "Tolerated"; PolyPhen-2: "Benign"; Align-GVGD: "Class C0". The lysine amino acid residue is found in multiple mammalian species, suggesting that this missense change does not adversely affect protein function. These predictions have not been confirmed by published functional studies and their clinical significance is uncertain. This variant has not been reported in the literature in individuals with EFHC1-related conditions. This variant is not present in population databases (ExAC no frequency). This sequence change replaces glutamine with lysine at codon 318 of the EFHC1 protein (p.Gln318Lys). The glutamine residue is highly conserved and there is a small physicochemical difference between glutamine and lysine.